The following is an entry in ClinVar:

NM_032833.5(PPP1R15B):c.1879G>A (p.Val627Ile)

Gene: PPP1R15B (protein phosphatase 1 regulatory subunit 15B; minus strand). Cytogenetic location: 1q32.1.
Variant type: single nucleotide variant.
Coding change: c.1879G>A on transcript NM_032833.5 (MANE Select); coding-DNA position 1879, G replaced by A.
Protein change: p.Val627Ile; replaces valine 627 with isoleucine.
Molecular consequence: missense variant.
Genome position (GRCh38, 1-based): chr1:204,409,533, C>T on the plus strand (G>A on the coding strand, the complement: PPP1R15B is on the minus strand). VCF-style: chr1-204409533-C-T. GRCh37 (hg19) VCF-style: chr1-204378661-C-T.
Other names: short protein forms V627I.
Identifiers: ClinVar variation 2870043 (VCV002870043.3), dbSNP rs1412526907, ClinGen allele CA344351338.

ClinVar aggregate classification (germline): Uncertain significance (1 of 4 stars; one submission).

Submission:

Labcorp Genetics (formerly Invitae), Labcorp
Classification: Uncertain significance. Last evaluated: 2023-11-27. Review status: criteria provided, single submitter. Criteria: Invitae Variant Classification Sherloc (09022015). Collection method: clinical testing. Allele origin: germline.
Comment: This sequence change replaces valine, which is neutral and non-polar, with isoleucine, which is neutral and non-polar, at codon 627 of the PPP1R15B protein (p.Val627Ile). This variant is present in population databases (no rsID available, gnomAD 0.01%). This variant has not been reported in the literature in individuals affected with PPP1R15B-related conditions. Advanced modeling of protein sequence and biophysical properties (such as structural, functional, and spatial information, amino acid conservation, physicochemical variation, residue mobility, and thermodynamic stability) performed at Invitae indicates that this missense variant is not expected to disrupt PPP1R15B protein function with a negative predictive value of 80%. In summary, the available evidence is currently insufficient to determine the role of this variant in disease. Therefore, it has been classified as a Variant of Uncertain Significance.